The following is an entry in ClinVar:

NM_000179.3(MSH6):c.1769C>T (p.Pro590Leu)

Gene: MSH6 (mutS homolog 6; plus strand). Cytogenetic location: 2p16.3.
Variant type: single nucleotide variant.
Coding change: c.1769C>T on transcript NM_000179.3 (MANE Select); coding-DNA position 1769, C replaced by T.
Protein change: p.Pro590Leu; replaces proline 590 with leucine.
Molecular consequence: missense variant.
Genome position (GRCh38, 1-based): chr2:47,799,752, C>T. VCF-style: chr2-47799752-C-T. GRCh37 (hg19) VCF-style: chr2-48026891-C-T.
Other names: c.1379C>T, p.Pro460Leu (NM_001281492.2); c.863C>T, p.Pro288Leu (NM_001281493.2, NM_001281494.2); short protein forms P590L, P288L, P460L.
Identifiers: ClinVar variation 142674 (VCV000142674.18), dbSNP rs587782635, ClinGen allele CA009151.

ClinVar aggregate classification (germline): Conflicting classifications of pathogenicity. Review status: criteria provided, conflicting classifications (1 of 4 stars). 4 submissions from 4 submitters: Uncertain significance (3); Likely benign (1). Last evaluated 2025-08-05.

Conditions:
Hereditary nonpolyposis colorectal neoplasms. Identifiers: MedGen C0009405, MeSH D003123.
Hereditary cancer-predisposing syndrome. Also called: Hereditary Cancer Syndrome; Neoplastic Syndromes, Hereditary; Hereditary neoplastic syndrome; Tumor predisposition. Identifiers: Orphanet 140162, MedGen C0027672, MeSH D009386, MONDO:0015356.

gnomAD v4.1: 2 of 1,614,130 alleles (0.00012%); highest among the groups gnomAD compares: Non-Finnish European, 0.00017%; no homozygotes.

Submissions (4):

Color Diagnostics, LLC DBA Color Health
Classification: Uncertain significance for Hereditary cancer-predisposing syndrome. Last evaluated: 2025-08-05. Review status: criteria provided, single submitter. Criteria: ACMG Guidelines, 2015. Collection method: clinical testing. Allele origin: germline.
Comment: This missense variant replaces proline with leucine at codon 590 of the MSH6 protein. Computational prediction suggests that this variant may not impact protein structure and function. To our knowledge, functional studies have not been reported for this variant. This variant has not been reported in individuals affected with MSH6-related disorders in the literature. This variant has not been identified in the general population by the Genome Aggregation Database (gnomAD). The available evidence is insufficient to determine the role of this variant in disease conclusively. Therefore, this variant is classified as a Variant of Uncertain Significance.

Ambry Genetics
Classification: Likely benign for Hereditary cancer-predisposing syndrome. Last evaluated: 2024-02-22. Review status: criteria provided, single submitter. Criteria: Ambry Variant Classification Scheme 2023. Collection method: clinical testing. Allele origin: germline.

Labcorp Genetics (formerly Invitae), Labcorp
Classification: Uncertain significance for Hereditary nonpolyposis colorectal neoplasms. Last evaluated: 2023-10-08. Review status: criteria provided, single submitter. Criteria: Invitae Variant Classification Sherloc (09022015). Collection method: clinical testing. Allele origin: germline.
Comment: This sequence change replaces proline, which is neutral and non-polar, with leucine, which is neutral and non-polar, at codon 590 of the MSH6 protein (p.Pro590Leu). This variant is not present in population databases (gnomAD no frequency). This variant has not been reported in the literature in individuals affected with MSH6-related conditions. ClinVar contains an entry for this variant (Variation ID: 142674). Advanced modeling of protein sequence and biophysical properties (such as structural, functional, and spatial information, amino acid conservation, physicochemical variation, residue mobility, and thermodynamic stability) performed at Invitae indicates that this missense variant is not expected to disrupt MSH6 protein function. In summary, the available evidence is currently insufficient to determine the role of this variant in disease. Therefore, it has been classified as a Variant of Uncertain Significance.

GeneDx
Classification: Uncertain significance. Last evaluated: 2022-12-05. Review status: criteria provided, single submitter. Criteria: GeneDx Variant Classification Process June 2021. Collection method: clinical testing. Allele origin: germline. Affected: yes.
Comment: Not observed at significant frequency in large population cohorts (gnomAD); In silico analysis supports that this missense variant has a deleterious effect on protein structure/function; Has not been previously published as pathogenic or benign to our knowledge; This variant is associated with the following publications: (PMID: 17531815, 21120944)